The following is an entry in ClinVar:

NM_000368.5(TSC1):c.1007G>T (p.Arg336Leu)

Gene: TSC1 (TSC complex subunit 1; minus strand). Cytogenetic location: 9q34.13.
Variant type: single nucleotide variant.
Coding change: c.1007G>T on transcript NM_000368.5 (MANE Select); coding-DNA position 1007, G replaced by T.
Protein change: p.Arg336Leu; replaces arginine 336 with leucine.
Molecular consequence: missense variant. On other transcripts: 5 prime UTR variant (2), non-coding transcript variant (5).
Genome position (GRCh38, 1-based): chr9:132,911,475, C>A on the plus strand (G>T on the coding strand, the complement: TSC1 is on the minus strand). VCF-style: chr9-132911475-C-A. GRCh37 (hg19) VCF-style: chr9-135786862-C-A.
Other names: c.1007G>T, p.Arg336Leu (NM_001162426.2, NM_001406592.1, NM_001406593.1 and 16 more transcripts); c.854G>T, p.Arg285Leu (NM_001162427.2, NM_001406610.1, NM_001406611.1 and 2 more transcripts); c.644G>T, p.Arg215Leu (NM_001362177.2, NM_001406614.1, NM_001406615.1 and 10 more transcripts); c.56G>T, p.Arg19Leu (NM_001406626.1, NM_001406627.1, NM_001406628.1); c.-87G>T (NM_001406629.1, NM_001406630.1); short protein forms R19L, R336L, R215L, R285L.
Identifiers: ClinVar variation 2562845 (VCV002562845.2), dbSNP rs397514808, ClinGen allele CA375368503.

ClinVar aggregate classification (germline): Uncertain significance (1 of 4 stars; one submission).

Conditions:
Hereditary cancer-predisposing syndrome. Also called: Neoplastic Syndromes, Hereditary; Hereditary Cancer Syndrome; Hereditary neoplastic syndrome; Tumor predisposition. Identifiers: Orphanet 140162, MedGen C0027672, MeSH D009386, MONDO:0015356.

Submission:

Ambry Genetics
Classification: Uncertain significance for Hereditary cancer-predisposing syndrome. Last evaluated: 2023-03-27. Review status: criteria provided, single submitter. Criteria: Ambry Variant Classification Scheme 2023. Collection method: clinical testing. Allele origin: germline.
Comment: The p.R336L variant (also known as c.1007G>T), located in coding exon 8 of the TSC1 gene, results from a G to T substitution at nucleotide position 1007. The arginine at codon 336 is replaced by leucine, an amino acid with dissimilar properties. This amino acid position is well conserved in available vertebrate species. In addition, this alteration is predicted to be deleterious by in silico analysis. Since supporting evidence is limited at this time, the clinical significance of this alteration remains unclear.